The following is an entry in ClinVar:

ClinVar aggregate classification (germline): Benign. Review status: criteria provided, multiple submitters, no conflicts (2 of 4 stars). 2 submissions from 2 submitters: Benign (2). Last evaluated 2018-06-14.

Allele frequency attached by ClinVar (database versions not stated): gnomAD exomes 0.62688; gnomAD 0.64331 and 0.64917; TOPMed 0.66073; 1000 Genomes Project 30x 0.73501; 1000 Genomes Project 0.73962.
gnomAD v4.1: 979,630 of 1,554,898 alleles (63%); highest among the groups gnomAD compares: East Asian, 90%; 312,741 homozygotes.

Submissions (2):

GeneDx
Classification: Benign. Last evaluated: 2018-06-14. Review status: criteria provided, single submitter. Criteria: GeneDx Variant Classification (06012015). Collection method: clinical testing. Allele origin: germline. Affected: yes.
Comment: This variant is considered likely benign or benign based on one or more of the following criteria: it is a conservative change, it occurs at a poorly conserved position in the protein, it is predicted to be benign by multiple in silico algorithms, and/or has population frequency not consistent with disease.

Breakthrough Genomics
Classification: Benign. Review status: criteria provided, single submitter. Criteria: ACMG Guidelines, 2015. Collection method: not provided. Allele origin: germline. Inheritance: Autosomal recessive inheritance. Affected: yes.

NM_022041.4(GAN):c.1237-59G>A

Gene: GAN (gigaxonin; plus strand). Cytogenetic location: 16q23.2.
Variant type: single nucleotide variant.
Coding change: c.1237-59G>A on transcript NM_022041.4 (MANE Select); 59 bases into the intron before coding-DNA position 1237, G replaced by A.
Molecular consequence: intron variant.
Genome position (GRCh38, 1-based): chr16:81,364,915, G>A. VCF-style: chr16-81364915-G-A. GRCh37 (hg19) VCF-style: chr16-81398520-G-A.
Other names: c.598-59G>A (NM_001377486.1).
Identifiers: ClinVar variation 680741 (VCV000680741.2), dbSNP rs4889313, ClinGen allele CA14303623.